The following is an entry in ClinVar:

ClinVar aggregate classification (germline): Uncertain significance (1 of 4 stars; one submission).

Allele frequency attached by ClinVar (database versions not stated): ExAC 0.00003; gnomAD 0.00004.
gnomAD v4.1: 33 of 1,614,042 alleles (0.002%); highest among the groups gnomAD compares: South Asian, 0.0055%; no homozygotes.

Submission:

Labcorp Genetics (formerly Invitae), Labcorp
Classification: Uncertain significance. Last evaluated: 2025-01-31. Review status: criteria provided, single submitter. Criteria: Invitae Variant Classification Sherloc (09022015). Collection method: clinical testing. Allele origin: germline.
Comment: This sequence change replaces threonine, which is neutral and polar, with methionine, which is neutral and non-polar, at codon 375 of the CEP97 protein (p.Thr375Met). This variant is present in population databases (rs773873294, gnomAD 0.006%). This variant has not been reported in the literature in individuals affected with CEP97-related conditions. ClinVar contains an entry for this variant (Variation ID: 2956862). Invitae Evidence Modeling of protein sequence and biophysical properties (such as structural, functional, and spatial information, amino acid conservation, physicochemical variation, residue mobility, and thermodynamic stability) indicates that this missense variant is not expected to disrupt CEP97 protein function with a negative predictive value of 80%. In summary, the available evidence is currently insufficient to determine the role of this variant in disease. Therefore, it has been classified as a Variant of Uncertain Significance.

NM_024548.4(CEP97):c.1124C>T (p.Thr375Met)

Gene: CEP97 (centrosomal protein 97; plus strand). Cytogenetic location: 3q12.3.
Variant type: single nucleotide variant.
Coding change: c.1124C>T on transcript NM_024548.4 (MANE Select); coding-DNA position 1124, C replaced by T.
Protein change: p.Thr375Met; replaces threonine 375 with methionine.
Molecular consequence: missense variant. On other transcripts: intron variant (2).
Genome position (GRCh38, 1-based): chr3:101,757,730, C>T. VCF-style: chr3-101757730-C-T. GRCh37 (hg19) VCF-style: chr3-101476574-C-T.
Other names: c.1022C>T, p.Thr341Met (NM_001410784.1); c.1028-81C>T (NM_001303401.2); c.926-81C>T (NM_001410785.1); short protein forms T341M, T375M.
Identifiers: ClinVar variation 2956862 (VCV002956862.3), dbSNP rs773873294, ClinGen allele CA2522073.